The following is an entry in ClinVar:

NM_006744.4(RBP4):c.198C>A (p.Asp66Glu)

Gene: RBP4 (retinol binding protein 4; minus strand). Cytogenetic location: 10q23.33.
Variant type: single nucleotide variant.
Coding change: c.198C>A on transcript NM_006744.4 (MANE Select); coding-DNA position 198, C replaced by A.
Protein change: p.Asp66Glu; replaces aspartic acid 66 with glutamic acid.
Molecular consequence: missense variant.
Genome position (GRCh38, 1-based): chr10:93,600,717, G>T on the plus strand (C>A on the coding strand, the complement: RBP4 is on the minus strand). VCF-style: chr10-93600717-G-T. GRCh37 (hg19) VCF-style: chr10-95360474-G-T.
Other names: c.198C>A, p.Asp66Glu (NM_001323517.1); c.192C>A, p.Asp64Glu (NM_001323518.2); short protein forms D64E, D66E.
Identifiers: ClinVar variation 1484809 (VCV001484809.6), dbSNP rs142149253, ClinGen allele CA377618168.

ClinVar aggregate classification (germline): Uncertain significance (1 of 4 stars; one submission).

Submission:

Labcorp Genetics (formerly Invitae), Labcorp
Classification: Uncertain significance. Last evaluated: 2022-01-15. Review status: criteria provided, single submitter. Criteria: Invitae Variant Classification Sherloc (09022015). Collection method: clinical testing. Allele origin: germline.
Comment: This sequence change replaces aspartic acid, which is acidic and polar, with glutamic acid, which is acidic and polar, at codon 66 of the RBP4 protein (p.Asp66Glu). In summary, the available evidence is currently insufficient to determine the role of this variant in disease. Therefore, it has been classified as a Variant of Uncertain Significance. This variant is not present in population databases (gnomAD no frequency). This variant has not been reported in the literature in individuals affected with RBP4-related conditions. Algorithms developed to predict the effect of missense changes on protein structure and function (SIFT, PolyPhen-2, Align-GVGD) all suggest that this variant is likely to be tolerated.